The following is an entry in ClinVar:

ClinVar aggregate classification (germline): Benign (1 of 4 stars; one submission).

Submission:

GeneDx
Classification: Benign. Last evaluated: 2011-07-05. Review status: criteria provided, single submitter. Criteria: GeneDx Variant Classification (06012015). Collection method: clinical testing. Allele origin: germline. Affected: yes.
Comment: This variant is considered likely benign or benign based on one or more of the following criteria: it is a conservative change, it occurs at a poorly conserved position in the protein, it is predicted to be benign by multiple in silico algorithms, and/or has population frequency not consistent with disease.

NM_003280.3(TNNC1):c.455-14C>A

Gene: TNNC1 (troponin C1, slow skeletal and cardiac type; minus strand). Cytogenetic location: 3p21.1.
Variant type: single nucleotide variant.
Coding change: c.455-14C>A on transcript NM_003280.3 (MANE Select); 14 bases into the intron before coding-DNA position 455, C replaced by A.
Molecular consequence: intron variant.
Genome position (GRCh38, 1-based): chr3:52,451,320, G>T on the plus strand (C>A on the coding strand, the complement: TNNC1 is on the minus strand). VCF-style: chr3-52451320-G-T. GRCh37 (hg19) VCF-style: chr3-52485336-G-T.
Other names: c.455-14C>A (LRG_378t1).
Identifiers: ClinVar variation 137683 (VCV000137683.1), dbSNP rs587780966, ClinGen allele CA291342.